The following is an entry in ClinVar:

NM_001122630.2(CDKN1C):c.609G>C (p.Pro203=)

Gene: CDKN1C (cyclin dependent kinase inhibitor 1C; minus strand). Cytogenetic location: 11p15.4.
Variant type: single nucleotide variant.
Coding change: c.609G>C on transcript NM_001122630.2 (MANE Select); coding-DNA position 609, G replaced by C.
Protein change: p.Pro203=; no amino-acid change (proline 203 retained).
Molecular consequence: synonymous variant. On other transcripts: intron variant (1).
Genome position (GRCh38, 1-based): chr11:2,884,848, C>G on the plus strand (G>C on the coding strand, the complement: CDKN1C is on the minus strand). VCF-style: chr11-2884848-C-G. GRCh37 (hg19) VCF-style: chr11-2906078-C-G.
Other names: c.642G>C, p.Pro214= (NM_000076.2, NM_001362474.2); c.609G>C, p.Pro203= (NM_001122631.2); c.255+354G>C (NM_001362475.2).
Identifiers: ClinVar variation 2641506 (VCV002641506.24), dbSNP rs1214673011, ClinGen allele CA472832194.

ClinVar aggregate classification (germline): Likely benign (1 of 4 stars; one submission).

Submission:

CeGaT Center for Human Genetics Tuebingen
Classification: Likely benign. Last evaluated: 2023-04-01. Review status: criteria provided, single submitter. Criteria: CeGaT Center For Human Genetics Tuebingen Variant Classification Criteria Version 2. Collection method: clinical testing. Allele origin: germline. Affected: yes. Observed: 4 variant alleles.
Comment: CDKN1C: PM2:Supporting, BP4, BP7